The following is an entry in ClinVar:

NM_001271.4(CHD2):c.1135_1138del (p.Gln378_Ile379insTer)

Gene: CHD2 (chromodomain helicase DNA binding protein 2; plus strand). Cytogenetic location: 15q26.1.
Variant type: Deletion.
Coding change: c.1135_1138del on transcript NM_001271.4 (MANE Select); coding-DNA positions 1135 to 1138, 4 bases deleted (ATAG; older notation c.1135_1138delATAG).
Protein change: p.Gln378_Ile379insTer.
Molecular consequence: nonsense.
Genome position (GRCh38, 1-based): chr15:92,944,497-92,944,500, ATAG deleted; deleting any 4 consecutive bases within chr15:92,944,495-92,944,500 gives the same sequence; the c. name uses the placement nearest the transcript's 3' end. VCF-style (leftmost placement, unchanged base first): chr15-92944494-CAGAT-C. GRCh37 (hg19) VCF-style: chr15-93487724-CAGAT-C.
Other names: c.1135_1138del, p.Gln378_Ile379insTer (NM_001042572.3).
Identifiers: ClinVar variation 569116 (VCV000569116.7), dbSNP rs1567136357, ClinGen allele CA891843513.

ClinVar aggregate classification (germline): Pathogenic (1 of 4 stars; one submission).

Conditions:
Developmental and epileptic encephalopathy 94 (DEE94). Also called: CHD2-Related Neurodevelopmental Disorders; Epileptic encephalopathy, childhood-onset. Identifiers: Orphanet 1942, Orphanet 2382, MedGen C3809278, MONDO:0014150, OMIM 615369.

Submission:

Labcorp Genetics (formerly Invitae), Labcorp
Classification: Pathogenic for Developmental and epileptic encephalopathy 94. Last evaluated: 2018-06-25. Review status: criteria provided, single submitter. Criteria: Invitae Variant Classification Sherloc (09022015). Collection method: clinical testing. Allele origin: germline.
Comment: For these reasons, this variant has been classified as Pathogenic. Loss-of-function variants in CHD2 are known to be pathogenic (PMID: 23708187, 24207121). This variant has not been reported in the literature in individuals with CHD2-related disease. This variant is not present in population databases (ExAC no frequency). This sequence change creates a premature translational stop signal (p.Ile379*) in the CHD2 gene. It is expected to result in an absent or disrupted protein product.

Literature cited by the submitters: PubMed 23708187; PubMed 24207121.